The following is an entry in ClinVar:

NM_000533.5(PLP1):c.322A>C (p.Ile108Leu)

Genes: RAB9B (RAB9B, member RAS oncogene family; minus strand), PLP1 (proteolipid protein 1; plus strand). Cytogenetic location: Xq22.2.
Variant type: single nucleotide variant.
Coding change: c.322A>C on transcript NM_000533.5 (MANE Select); coding-DNA position 322, A replaced by C.
Protein change: p.Ile108Leu; replaces isoleucine 108 with leucine.
Molecular consequence: missense variant.
Genome position (GRCh38, 1-based): chrX:103,786,595, A>C. VCF-style: chrX-103786595-A-C. GRCh37 (hg19) VCF-style: chrX-103041524-A-C.
Other names: c.322A>C, p.Ile108Leu (NM_001128834.3, NM_199478.3); c.157A>C, p.Ile53Leu (NM_001305004.1); short protein forms I108L, I53L.
Identifiers: ClinVar variation 4537485 (VCV004537485.1).

ClinVar aggregate classification (germline): Uncertain significance (1 of 4 stars; one submission).

Conditions:
Hereditary spastic paraplegia 2 (SPG2). Also called: Spastic Paraplegia 2 (SPG2); SPASTIC PARAPLEGIA 2, X-LINKED. Identifiers: Orphanet 99015, MedGen C0751604, MONDO:0010733, OMIM 312920.

Submission:

Genetic Foundation of Khorasan Razavi (GFKR)
Classification: Uncertain significance for Hereditary spastic paraplegia 2. Review status: criteria provided, single submitter. Criteria: ACMG Guidelines, 2015. Collection method: clinical testing. Allele origin: de novo. Affected: yes. Observed: 1 hemizygote.
Comment: This missense variant is located in a critical and well-established functional domain of the protein. It is absent in population databases. The gene is intolerant to benign missense variation, and missense changes are a known disease mechanism.